The following is an entry in ClinVar:

ClinVar aggregate classification (germline): Pathogenic/Likely pathogenic. Review status: criteria provided, multiple submitters, no conflicts (2 of 4 stars). 5 submissions from 5 submitters: Pathogenic (3); Likely pathogenic (2). Last evaluated 2026-04-27.

Conditions:
TTN-related disorder. Also called: TTN-related disorders; TTN-related condition; TTN-related disease.
Cardiovascular phenotype. Identifiers: MedGen CN230736.
Dilated cardiomyopathy 1G (CMD1G). Identifiers: Orphanet 154, MedGen C1858763, MONDO:0011400, OMIM 604145.
Tibial muscular dystrophy (TMD). Also called: Udd Distal Myopathy – Tibial Muscular Dystrophy; Tibial muscular dystrophy, tardive; UDD MYOPATHY. Identifiers: Orphanet 609, MedGen C1838244, MONDO:0010870, OMIM 600334.
Myopathy, myofibrillar, 9, with early respiratory failure (MFM9). Also called: Hereditary myopathy with early respiratory failure; EDSTROM MYOPATHY; Myopathy, distal, with early respiratory failure, autosomal dominant; MYOPATHY, PROXIMAL, WITH EARLY RESPIRATORY MUSCLE INVOLVEMENT. Identifiers: Orphanet 178464, Orphanet 34521, MedGen C1863599, MONDO:0011362, OMIM 603689.
Early-onset myopathy with fatal cardiomyopathy (CMYO5). Also called: CONGENITAL MYOPATHY 5 WITH CARDIOMYOPATHY; Salih Myopathy. Identifiers: Orphanet 289377, MedGen C2673677, MONDO:0012714, OMIM 611705. Disease mechanism: loss of function.
Autosomal recessive limb-girdle muscular dystrophy type 2J (LGMDR10). Also called: MUSCULAR DYSTROPHY, LIMB-GIRDLE, AUTOSOMAL RECESSIVE 10; Limb-girdle muscular dystrophy, type 2J. Identifiers: Orphanet 140922, MedGen C1837342, MONDO:0012127, OMIM 608807.
Hypertrophic cardiomyopathy 9. Also called: Familial hypertrophic cardiomyopathy 9. Identifiers: MedGen C1861065, MONDO:0013412, OMIM 613765.

gnomAD v4.1: 7 of 1,613,728 alleles (0.00043%); highest among the groups gnomAD compares: Non-Finnish European, 0.00059%; no homozygotes.

Submissions (5):

PreventionGenetics, part of Exact Sciences
Classification: Likely pathogenic for TTN-related condition. Last evaluated: 2026-04-27. Review status: criteria provided, single submitter. Criteria: ACMG Guidelines, 2015. Collection method: clinical testing. Allele origin: germline.
Comment: The TTN c.82639G>T variant is predicted to result in premature protein termination (p.Glu27547*). This variant was reported in three individuals with dilated cardiomyopathy (Bourfiss et al. 2022. PubMed ID: 36264615). This variant has not been reported in a large population database (gnomAD), indicating this variant is rare. This variant is located in the A-band region of the protein in which truncating TTN variants have been found more frequently in dilated cardiomyopathy patients than in controls (Herman et al. 2012. PubMed ID: 22335739). RNAseq studies from heart tissue indicate this exon is commonly included in TTN mRNA transcripts (PSI of 100%, Roberts et al. 2015. PubMed ID: 25589632). TTN loss-of-function variants occurring in constitutively expressed exons (PSI > 90%) are more likely to be disease causing for TTN cardiac-related disorders regardless of band location (Roberts et al. 2015. PubMed ID: 25589632; Schafer et al. 2017. PubMed ID: 27869827; Akhtar et al. 2020. PubMed ID: 32964742). Many cases of recessive TTN-related myopathies in which the individual is compound heterozygous for two loss-of-function variants in TTN have also been reported (Ge et al. 2019. PubMed ID: 31053406; Oates et al. 2018. PubMed ID: 29691892; Rees et al. 2021. PubMed ID: 33449170). In summary, this variant is categorized as likely pathogenic. Of note, this variant is considered likely pathogenic for increased risk of TTN-related cardiac disorders, and also for autosomal recessive TTN-related congenital titinopathies. ​

Ambry Genetics
Classification: Pathogenic for Cardiovascular phenotype. Last evaluated: 2026-04-06. Review status: criteria provided, single submitter. Criteria: Ambry Variant Classification Scheme 2023. Collection method: clinical testing. Allele origin: germline.
Comment: The p.E18482* pathogenic mutation (also known as c.55444G>T), located in coding exon 153 of the TTN gene, results from a G to T substitution at nucleotide position 55444. This changes the amino acid from a glutamic acid to a stop codon within coding exon 153. This exon is located in the A-band region of the N2-B isoform of the titin protein and is constitutively expressed in TTN transcripts (percent spliced in or PSI 100%). This variant was reported in individual(s) with dilated cardiomyopathy (Ambry internal data). This variant is considered to be rare based on population cohorts in the Genome Aggregation Database (gnomAD). This variant is expected to result in loss of function by premature protein truncation or nonsense-mediated mRNA decay. While truncating variants in TTN are present in 1-3% of the general population, truncating variants in the A-band are the most common cause of dilated cardiomyopathy (Herman DS et al. N. Engl. J. Med., 2012 Feb;366:619-28; Roberts AM et al. Sci Transl Med, 2015 Jan;7:270ra6). TTN truncating variants encoded in constitutive exons (PSI >90%) have been found to be significantly associated with DCM regardless of their position in titin (Schafer S et al. Nat. Genet., 2017 01;49:46-53; Akhtar MM et al. Circ Heart Fail, 2020 Oct;13:e006832; Massier M et al. Clin Genet, 2025 Jan). Based on the supporting evidence, this variant is interpreted as a disease-causing mutation.

Labcorp Genetics (formerly Invitae), Labcorp
Classification: Pathogenic for Dilated cardiomyopathy 1G; Autosomal recessive limb-girdle muscular dystrophy type 2J. Last evaluated: 2026-01-26. Review status: criteria provided, single submitter. Criteria: Invitae Variant Classification Sherloc (09022015). Collection method: clinical testing. Allele origin: germline.
Comment: This sequence change creates a premature translational stop signal (p.Glu27547*) in the TTN gene. While this is not anticipated to result in nonsense mediated decay, it is expected to create a truncated TTN protein. This variant is not present in population databases (gnomAD no frequency). This premature translational stop signal has been observed in individuals with dilated cardiomyopathy (PMID: 36264615; internal data). ClinVar contains an entry for this variant (Variation ID: 202416). This variant is located in the A band of TTN (PMID: 25589632). Truncating variants in this region are significantly overrepresented in patients affected with dilated cardiomyopathy (PMID: 25589632). Truncating variants in this region have also been reported in individuals affected with autosomal recessive centronuclear myopathy (PMID: 23975875). For these reasons, this variant has been classified as Pathogenic.

GeneDx
Classification: Pathogenic. Last evaluated: 2025-07-28. Review status: criteria provided, single submitter. Criteria: GeneDx Variant Classification Process June 2021. Collection method: clinical testing. Allele origin: germline. Affected: yes.
Comment: Nonsense variant predicted to result in protein truncation or nonsense mediated decay in a gene for which loss of function is a known mechanism of disease; Not observed at significant frequency in large population cohorts (gnomAD); Identified in patients with DCM in published literature (PMID: 36264615); This variant is associated with the following publications: (PMID: 22335739, 32778822, 36264615)

Fulgent Genetics
Classification: Likely pathogenic for Tibial muscular dystrophy; Myopathy, myofibrillar, 9, with early respiratory failure; Dilated cardiomyopathy 1G; Autosomal recessive limb-girdle muscular dystrophy type 2J; Early-onset myopathy with fatal cardiomyopathy; Hypertrophic cardiomyopathy 9. Last evaluated: 2021-07-22. Review status: criteria provided, single submitter. Criteria: ACMG Guidelines, 2015. Collection method: clinical testing. Allele origin: unknown.

Literature cited by the submitters: PubMed 36264615 (cited by Ambry Genetics and Labcorp Genetics (formerly Invitae), Labcorp); PubMed 25589632 (cited by Labcorp Genetics (formerly Invitae), Labcorp); PubMed 23975875 (cited by Labcorp Genetics (formerly Invitae), Labcorp).

NM_001267550.2(TTN):c.82639G>T (p.Glu27547Ter)

Genes: TTN (titin; minus strand), TTN-AS1 (TTN antisense RNA 1; plus strand). Cytogenetic location: 2q31.2.
Variant type: single nucleotide variant.
Coding change: c.82639G>T on transcript NM_001267550.2 (MANE Select); coding-DNA position 82639, G replaced by T.
Protein change: p.Glu27547Ter; replaces glutamic acid 27547 with a stop codon.
Molecular consequence: nonsense.
Genome position (GRCh38, 1-based): chr2:178,563,493, C>A on the plus strand (G>T on the coding strand, the complement: TTN is on the minus strand). VCF-style: chr2-178563493-C-A. GRCh37 (hg19) VCF-style: chr2-179428220-C-A.
Other names: p.E25906*:GAA>TAA; c.77716G>T, p.Glu25906Ter (NM_001256850.1); c.55444G>T, p.Glu18482Ter (NM_003319.4); c.74935G>T, p.Glu24979Ter (NM_133378.4); c.55819G>T, p.Glu18607Ter (NM_133432.3); c.56020G>T, p.Glu18674Ter (NM_133437.4); short protein forms E25906*, E27547*, E18482*, E24979*, E18607*, E18674*.
Identifiers: ClinVar variation 202416 (VCV000202416.21), dbSNP rs779874042, ClinGen allele CA309345.